The following is an entry in ClinVar:

NM_012210.4(TRIM32):c.579C>T (p.Arg193=)

Genes: ASTN2 (astrotactin 2; minus strand), TRIM32 (tripartite motif containing 32; plus strand). Cytogenetic location: 9q33.1.
Variant type: single nucleotide variant.
Coding change: c.579C>T on transcript NM_012210.4 (MANE Select); coding-DNA position 579, C replaced by T.
Protein change: p.Arg193=; no amino-acid change (arginine 193 retained).
Molecular consequence: synonymous variant. On other transcripts: intron variant (3).
Genome position (GRCh38, 1-based): chr9:116,698,321, C>T. VCF-style: chr9-116698321-C-T. GRCh37 (hg19) VCF-style: chr9-119460600-C-T.
Other names: c.579C>T, p.Arg193= (NM_001379048.1, NM_001379049.1, NM_001379050.1 and 1 more transcripts); c.2653+27450G>A (NM_014010.5); c.2794+27450G>A (NM_001365069.1); c.2806+27450G>A (NM_001365068.1).
Identifiers: ClinVar variation 4904340 (VCV004904340.2).

ClinVar aggregate classification (germline): Likely benign. Review status: criteria provided, multiple submitters, no conflicts (2 of 4 stars). 2 submissions from 2 submitters: Likely benign (2). Last evaluated 2025-07-16.

Conditions:
TRIM32-related disorder. Also called: TRIM32-related condition.

gnomAD v4.1: 1 of 1,614,038 alleles (0.000062%); highest among the groups gnomAD compares: Non-Finnish European, 0.000085%; no homozygotes.

Submissions (2):

PreventionGenetics, part of Exact Sciences
Classification: Likely benign for TRIM32-related condition. Last evaluated: 2025-07-16. Review status: criteria provided, single submitter. Criteria: ACMG Guidelines, 2015. Collection method: clinical testing. Allele origin: germline.
Comment: This variant is classified as likely benign based on ACMG/AMP sequence variant interpretation guidelines (Richards et al. 2015 PMID: 25741868, with internal and published modifications).

Blueprint Genetics
Classification: Likely benign. Last evaluated: 2021-12-22. Review status: criteria provided, single submitter. Criteria: ACMG Guidelines, 2015. Collection method: clinical testing. Allele origin: germline.